The following is an entry in ClinVar:

NM_032119.4(ADGRV1):c.7879G>T (p.Val2627Phe)

Gene: ADGRV1 (adhesion G protein-coupled receptor V1; plus strand). Cytogenetic location: 5q14.3.
Variant type: single nucleotide variant.
Coding change: c.7879G>T on transcript NM_032119.4 (MANE Select); coding-DNA position 7879, G replaced by T.
Protein change: p.Val2627Phe; replaces valine 2627 with phenylalanine.
Molecular consequence: missense variant. On other transcripts: non-coding transcript variant (1).
Genome position (GRCh38, 1-based): chr5:90,694,635, G>T. VCF-style: chr5-90694635-G-T. GRCh37 (hg19) VCF-style: chr5-89990452-G-T.
Other names: short protein forms V2627F.
Identifiers: ClinVar variation 1480473 (VCV001480473.6), dbSNP rs961889092, ClinGen allele CA122797452.
Genomic context (GRCh38, chr5:90,694,635, plus strand): 5'-GAGCTGATGATACACAGGACAGGGGGCAGCTTAGGTCAAGTGGCAGTCGAATGGCGTGTT[G>T]TTGGTGGAACAGCTACTGAAGGTTTAGATTTTATAGGTGCTGGAGAGATTCTGACCTTTG-3'
Protein context (NP_115495.3, residues 2617-2637): LGQVAVEWRV[Val2627Phe]GGTATEGLDF

ClinVar aggregate classification (germline): Uncertain significance (1 of 4 stars; one submission).

Allele frequency attached by ClinVar (database versions not stated): TOPMed below 0.00001; gnomAD 0.00001.
gnomAD v4.1: 2 of 1,613,380 alleles (0.00012%); highest among the groups gnomAD compares: African/African-American, 0.0027%; no homozygotes.

Submission:

Labcorp Genetics (formerly Invitae), Labcorp
Classification: Uncertain significance. Last evaluated: 2022-07-19. Review status: criteria provided, single submitter. Criteria: Invitae Variant Classification Sherloc (09022015). Collection method: clinical testing. Allele origin: germline.
Comment: In summary, the available evidence is currently insufficient to determine the role of this variant in disease. Therefore, it has been classified as a Variant of Uncertain Significance. Algorithms developed to predict the effect of missense changes on protein structure and function are either unavailable or do not agree on the potential impact of this missense change (SIFT: "Deleterious"; PolyPhen-2: "Probably Damaging"; Align-GVGD: "Class C0"). ClinVar contains an entry for this variant (Variation ID: 1480473). This variant has not been reported in the literature in individuals affected with ADGRV1-related conditions. This variant is not present in population databases (gnomAD no frequency). This sequence change replaces valine, which is neutral and non-polar, with phenylalanine, which is neutral and non-polar, at codon 2627 of the ADGRV1 protein (p.Val2627Phe).